The following is an entry in ClinVar:

NC_000001.10:g.(?_215853471)_(215853738_?)del

Gene: USH2A (usherin; minus strand). Cytogenetic location: 1q41.
Variant type: Deletion.
Identifiers: ClinVar variation 2427729 (VCV002427729.4).

ClinVar aggregate classification (germline): Pathogenic (1 of 4 stars; one submission).

Submission:

Labcorp Genetics (formerly Invitae), Labcorp
Classification: Pathogenic. Last evaluated: 2022-11-08. Review status: criteria provided, single submitter. Criteria: Invitae Variant Classification Sherloc (09022015). Collection method: clinical testing. Allele origin: germline.
Comment: For these reasons, this variant has been classified as Pathogenic. This variant disrupts a region of the USH2A protein in which other variant(s) (p.Gly4032Arg) have been determined to be pathogenic (PMID: 27208204, 27460420, 29847639, 33105608; Invitae). This suggests that this is a clinically significant region of the protein, and that variants that disrupt it are likely to be disease-causing. This variant has not been reported in the literature in individuals affected with USH2A-related conditions. This variant is a gross deletion of the genomic region encompassing exon(s) 62 of the USH2A gene. This variant would be expected to be in-frame, preserving the integrity of the reading frame.

Literature cited by the submitters: PubMed 27208204; PubMed 27460420; PubMed 29847639; PubMed 33105608.